The following is an entry in ClinVar:

ClinVar aggregate classification (germline): Likely benign (0 of 4 stars; one submission).

Conditions:
ALMS1-related disorder. Also called: ALMS1-related condition.

Submission:

PreventionGenetics, part of Exact Sciences
Classification: Likely benign for ALMS1-related condition. Last evaluated: 2023-05-22. Review status: no assertion criteria provided. Collection method: clinical testing. Allele origin: germline.
Comment: This variant is classified as likely benign based on ACMG/AMP sequence variant interpretation guidelines (Richards et al. 2015 PMID: 25741868, with internal and published modifications).

NM_001378454.1(ALMS1):c.8682A>G (p.Pro2894=)

Gene: ALMS1 (ALMS1 centrosome and basal body associated protein; plus strand). Cytogenetic location: 2p13.1.
Variant type: single nucleotide variant.
Coding change: c.8682A>G on transcript NM_001378454.1 (MANE Select); coding-DNA position 8682, A replaced by G.
Protein change: p.Pro2894=; no amino-acid change (proline 2894 retained).
Molecular consequence: synonymous variant.
Genome position (GRCh38, 1-based): chr2:73,490,641, A>G. VCF-style: chr2-73490641-A-G. GRCh37 (hg19) VCF-style: chr2-73717768-A-G.
Other names: c.8685A>G, p.Pro2895= (NM_015120.4).
Identifiers: ClinVar variation 3354497 (VCV003354497.1).